The following is an entry in ClinVar:

ClinVar aggregate classification (germline): Uncertain significance. Review status: criteria provided, multiple submitters, no conflicts (2 of 4 stars). 2 submissions from 2 submitters: Uncertain significance (2). Last evaluated 2025-02-20.

Conditions:
Cataract 38. Also called: Cataract, autosomal recessive congenital 5; Cataract 38, autosomal recessive. Identifiers: Orphanet 91492, MedGen C3553494, MONDO:0013859, OMIM 614691.
Sengers syndrome. Also called: MITOCHONDRIAL DNA DEPLETION SYNDROME 10 (CARDIOMYOPATHIC TYPE); Cardiomyopathy and cataract. Identifiers: Orphanet 1369, MedGen C1859317, MONDO:0008922, OMIM 212350.
Inborn genetic diseases. Identifiers: MedGen C0950123, MeSH D030342.

Allele frequency attached by ClinVar (database versions not stated): TOPMed 0.00002; gnomAD exomes 0.00003.
gnomAD v4.1: 45 of 1,614,082 alleles (0.0028%); highest among the groups gnomAD compares: Non-Finnish European, 0.0038%; no homozygotes.

Submissions (2):

Ambry Genetics
Classification: Uncertain significance for Inborn genetic diseases. Last evaluated: 2025-02-20. Review status: criteria provided, single submitter. Criteria: Ambry Variant Classification Scheme 2023. Collection method: clinical testing. Allele origin: germline.

Labcorp Genetics (formerly Invitae), Labcorp
Classification: Uncertain significance for Sengers syndrome; Cataract 38. Last evaluated: 2022-05-16. Review status: criteria provided, single submitter. Criteria: Invitae Variant Classification Sherloc (09022015). Collection method: clinical testing. Allele origin: germline.
Comment: This sequence change replaces threonine, which is neutral and polar, with alanine, which is neutral and non-polar, at codon 64 of the AGK protein (p.Thr64Ala). This variant is present in population databases (rs749193904, gnomAD 0.008%). This variant has not been reported in the literature in individuals affected with AGK-related conditions. Algorithms developed to predict the effect of missense changes on protein structure and function are either unavailable or do not agree on the potential impact of this missense change (SIFT: "Tolerated"; PolyPhen-2: "Probably Damaging"; Align-GVGD: "Class C0"). In summary, the available evidence is currently insufficient to determine the role of this variant in disease. Therefore, it has been classified as a Variant of Uncertain Significance.

NM_018238.4(AGK):c.190A>G (p.Thr64Ala)

Gene: AGK (acylglycerol kinase; plus strand). Cytogenetic location: 7q34.
Variant type: single nucleotide variant.
Coding change: c.190A>G on transcript NM_018238.4 (MANE Select); coding-DNA position 190, A replaced by G.
Protein change: p.Thr64Ala; replaces threonine 64 with alanine.
Molecular consequence: missense variant.
Genome position (GRCh38, 1-based): chr7:141,596,610, A>G. VCF-style: chr7-141596610-A-G. GRCh37 (hg19) VCF-style: chr7-141296410-A-G.
Other names: c.190A>G (NM_018238.3); c.190A>G, p.Thr64Ala (NM_001364948.3); short protein forms T64A.
Identifiers: ClinVar variation 1903054 (VCV001903054.3), dbSNP rs749193904, ClinGen allele CA168066165.